The following is an entry in ClinVar:

ClinVar aggregate classification (germline): Likely benign (1 of 4 stars; one submission).

Allele frequency attached by ClinVar (database versions not stated): ExAC 0.00040; gnomAD 0.00086; TOPMed 0.00094; ESP Exome Variant Server 0.00123.
gnomAD v4.1: 574 of 1,614,056 alleles (0.036%); highest among the groups gnomAD compares: Admixed American, 0.16%; 2 homozygotes.

Submission:

CeGaT Center for Human Genetics Tuebingen
Classification: Likely benign. Last evaluated: 2023-04-01. Review status: criteria provided, single submitter. Criteria: CeGaT Center For Human Genetics Tuebingen Variant Classification Criteria Version 2. Collection method: clinical testing. Allele origin: germline. Affected: yes. Observed: 1 variant allele.
Comment: RPL3L: BP4, BP7

NM_005061.3(RPL3L):c.450C>T (p.Phe150=)

Gene: RPL3L (ribosomal protein L3 like; minus strand). Cytogenetic location: 16p13.3.
Variant type: single nucleotide variant.
Coding change: c.450C>T on transcript NM_005061.3 (MANE Select); coding-DNA position 450, C replaced by T.
Protein change: p.Phe150=; no amino-acid change (phenylalanine 150 retained).
Molecular consequence: synonymous variant.
Genome position (GRCh38, 1-based): chr16:1,950,895, G>A on the plus strand (C>T on the coding strand, the complement: RPL3L is on the minus strand). VCF-style: chr16-1950895-G-A. GRCh37 (hg19) VCF-style: chr16-2000896-G-A.
Identifiers: ClinVar variation 2645952 (VCV002645952.24), dbSNP rs150997667, ClinGen allele CA7822925.